The following is an entry in ClinVar:

ClinVar aggregate classification (germline): Uncertain significance (1 of 4 stars; one submission).

Submission:

GeneDx
Classification: Uncertain significance. Last evaluated: 2019-02-19. Review status: criteria provided, single submitter. Criteria: GeneDx Variant Classification Process June 2021. Collection method: clinical testing. Allele origin: germline. Affected: yes.
Comment: Not observed in large population cohorts (Lek et al., 2016; McVean et al., 2012; Exome Variant Server); Nonsense variant predicted to result in protein truncation, although loss-of-function variants have not been reported downstream of this position in the protein; Has not been previously published as pathogenic or benign to our knowledge

NM_000760.4(CSF3R):c.2320C>T (p.Gln774Ter)

Gene: CSF3R (colony stimulating factor 3 receptor; minus strand). Cytogenetic location: 1p34.3.
Variant type: single nucleotide variant.
Coding change: c.2320C>T on transcript NM_000760.4 (MANE Select); coding-DNA position 2320, C replaced by T.
Protein change: p.Gln774Ter; replaces glutamine 774 with a stop codon.
Molecular consequence: nonsense. On other transcripts: intron variant (1).
Genome position (GRCh38, 1-based): chr1:36,466,548, G>A on the plus strand (C>T on the coding strand, the complement: CSF3R is on the minus strand). VCF-style: chr1-36466548-G-A. GRCh37 (hg19) VCF-style: chr1-36932149-G-A.
Other names: c.2401C>T, p.Gln801Ter (NM_156039.3); c.2247+73C>T (NM_172313.3); short protein forms Q774*, Q801*.
Identifiers: ClinVar variation 1306154 (VCV001306154.2), dbSNP rs2124096002, ClinGen allele CA339413268.